The following is an entry in ClinVar:

ClinVar aggregate classification (germline): Uncertain significance (1 of 4 stars; one submission).

gnomAD v4.1: 1 of 1,608,262 alleles (0.000062%); highest among the groups gnomAD compares: East Asian, 0.0022%; no homozygotes.

Submission:

Dasa
Classification: Uncertain significance. Last evaluated: 2026-06-10. Review status: criteria provided, single submitter. Criteria: DASA Assertion Criteria. Collection method: clinical testing. Allele origin: germline.
Comment: NM_001318852.2(MAPK8IP3):c.2415C>G (p.Asn805Lys) is a missense variant that results in the substitution of asparagine with lysine. This variant is rare in population databases. The currently available literature and clinical evidence are not sufficient to establish a definitive association between this variant and the reported condition. Therefore, this variant is classified as a variant of uncertain significance.

NM_001318852.2(MAPK8IP3):c.2415C>G (p.Asn805Lys)

Gene: MAPK8IP3 (mitogen-activated protein kinase 8 interacting protein 3; plus strand). Cytogenetic location: 16p13.3.
Variant type: single nucleotide variant.
Coding change: c.2415C>G on transcript NM_001318852.2 (MANE Select); coding-DNA position 2415, C replaced by G.
Protein change: p.Asn805Lys; replaces asparagine 805 with lysine.
Molecular consequence: missense variant.
Genome position (GRCh38, 1-based): chr16:1,765,147, C>G. VCF-style: chr16-1765147-C-G. GRCh37 (hg19) VCF-style: chr16-1815148-C-G.
Other names: c.2394C>G, p.Asn798Lys (NM_001040439.2); c.2412C>G, p.Asn804Lys (NM_015133.5); short protein forms N798K, N804K, N805K.
Identifiers: ClinVar variation 5020405 (VCV005020405.1).